The following is an entry in ClinVar:

NM_001273.5(CHD4):c.340A>C (p.Lys114Gln)

Gene: CHD4 (chromodomain helicase DNA binding protein 4; minus strand). Cytogenetic location: 12p13.31.
Variant type: single nucleotide variant.
Coding change: c.340A>C on transcript NM_001273.5 (MANE Select); coding-DNA position 340, A replaced by C.
Protein change: p.Lys114Gln; replaces lysine 114 with glutamine.
Molecular consequence: missense variant.
Genome position (GRCh38, 1-based): chr12:6,602,058, T>G on the plus strand (A>C on the coding strand, the complement: CHD4 is on the minus strand). VCF-style: chr12-6602058-T-G. GRCh37 (hg19) VCF-style: chr12-6711224-T-G.
Other names: c.319A>C, p.Lys107Gln (NM_001297553.2); c.340A>C, p.Lys114Gln (NM_001363606.2); short protein forms K107Q, K114Q.
Identifiers: ClinVar variation 4882819 (VCV004882819.2).

ClinVar aggregate classification (germline): Uncertain significance (1 of 4 stars; one submission).

Conditions:
Sifrim-Hitz-Weiss syndrome (SIHIWES). Also called: SIFRIM-HITZ-WEISS MULTIPLE CONGENITAL ANOMALIES-MENTAL RETARDATION SYNDROME; CHD4 Neurodevelopmental Disorder. Identifiers: Orphanet 653712, MedGen C4310688, MONDO:0014946, OMIM 617159.

gnomAD v4.1: 4 of 1,613,310 alleles (0.00025%); highest among the groups gnomAD compares: African/African-American, 0.0013%; no homozygotes.

Submission:

Dasa
Classification: Uncertain significance for Sifrim-Hitz-Weiss syndrome. Last evaluated: 2026-03-29. Review status: criteria provided, single submitter. Criteria: DASA Assertion Criteria. Collection method: clinical testing. Allele origin: germline.
Comment: NM_001273.5(CHD4):c.340A>C (p.Lys114Gln) is a missense variant that results in the substitution of lysine with glutamine. This variant is rare in population databases. The currently available literature and clinical evidence are not sufficient to establish a definitive association between this variant and the reported condition. Therefore, this variant is classified as a variant of uncertain significance.